The following is an entry in ClinVar:

NM_020987.5(ANK3):c.2184+7G>A

Gene: ANK3 (ankyrin 3; minus strand). Cytogenetic location: 10q21.2.
Variant type: single nucleotide variant.
Coding change: c.2184+7G>A on transcript NM_020987.5 (MANE Select); 7 bases into the intron after coding-DNA position 2184, G replaced by A.
Molecular consequence: intron variant.
Genome position (GRCh38, 1-based): chr10:60,181,322, C>T on the plus strand (G>A on the coding strand, the complement: ANK3 is on the minus strand). VCF-style: chr10-60181322-C-T. GRCh37 (hg19) VCF-style: chr10-61941080-C-T.
Other names: c.2166+7G>A (NM_001204403.2); c.2133+7G>A (NM_001204404.2); c.2184+7G>A (NM_001320874.2).
Identifiers: ClinVar variation 3057791 (VCV003057791.2), dbSNP rs749237603, ClinGen allele CA5512911.

ClinVar aggregate classification (germline): Likely benign (0 of 4 stars; one submission).

Conditions:
ANK3-related disorder. Also called: ANK3-related condition.

Allele frequency attached by ClinVar (database versions not stated): ExAC 0.00002; gnomAD 0.00002; TOPMed 0.00002; gnomAD exomes 0.00003.
gnomAD v4.1: 43 of 1,613,252 alleles (0.0027%); highest among the groups gnomAD compares: Middle Eastern, 0.033%; no homozygotes.

Submission:

PreventionGenetics, part of Exact Sciences
Classification: Likely benign for ANK3-related condition. Last evaluated: 2019-04-25. Review status: no assertion criteria provided. Collection method: clinical testing. Allele origin: germline.
Comment: This variant is classified as likely benign based on ACMG/AMP sequence variant interpretation guidelines (Richards et al. 2015 PMID: 25741868, with internal and published modifications).